The following is an entry in ClinVar:

ClinVar aggregate classification (germline): Pathogenic (1 of 4 stars; one submission).

Submission:

CeGaT Center for Human Genetics Tuebingen
Classification: Pathogenic. Last evaluated: 2025-10-01. Review status: criteria provided, single submitter. Criteria: CeGaT Center For Human Genetics Tuebingen Variant Classification Criteria Version 2. Collection method: clinical testing. Allele origin: germline. Affected: yes. Observed: 1 variant allele.
Comment: AVPR2: PVS1, PM2

NM_000054.7(AVPR2):c.301del (p.Ala101fs)

Gene: AVPR2 (arginine vasopressin receptor 2; plus strand). Cytogenetic location: Xq28.
Variant type: Deletion.
Coding change: c.301del on transcript NM_000054.7 (MANE Select); coding-DNA position 301, one base deleted (G; older notation c.301delG).
Protein change: p.Ala101fs; shifts the reading frame from alanine 101.
Molecular consequence: frameshift variant.
Genome position (GRCh38, 1-based): chrX:153,905,807, G deleted; the last of 2 consecutive G bases (chrX:153,905,806-153,905,807); deleting either gives the same sequence. VCF-style (leftmost placement, unchanged base first): chrX-153905805-AG-A. GRCh37 (hg19) VCF-style: chrX-153171259-AG-A.
Other names: c.301del, p.Ala101fs (NM_001146151.3); short protein forms A101fs.
Identifiers: ClinVar variation 4534871 (VCV004534871.6).